The following is an entry in ClinVar:

NM_182914.3(SYNE2):c.15572A>G (p.Glu5191Gly)

Gene: SYNE2 (spectrin repeat containing nuclear envelope protein 2; plus strand). Cytogenetic location: 14q23.2.
Variant type: single nucleotide variant.
Coding change: c.15572A>G on transcript NM_182914.3 (MANE Select); coding-DNA position 15572, A replaced by G.
Protein change: p.Glu5191Gly; replaces glutamic acid 5191 with glycine.
Molecular consequence: missense variant.
Genome position (GRCh38, 1-based): chr14:64,146,156, A>G. VCF-style: chr14-64146156-A-G. GRCh37 (hg19) VCF-style: chr14-64612874-A-G.
Other names: c.15572A>G (NM_182914.2); c.15572A>G, p.Glu5191Gly (NM_015180.6); short protein forms E5191G.
Identifiers: ClinVar variation 2644300 (VCV002644300.25), dbSNP rs1392467818, ClinGen allele CA389947237.
Genomic context (GRCh38, chr14:64,146,156, plus strand): 5'-GTATCACTGAGAGTGAAAATAAAATACAGATCTTGAACAACTGGCTGGAAGCACAAGAAG[A>G]GAGACTGAAAACTTTACAAAAACCTGAAAGTGTGATCTCAGTGCAGAAGCTGCTCCTGGA-3'
Protein context (NP_878918.2, residues 5181-5201): ILNNWLEAQE[Glu5191Gly]RLKTLQKPES

ClinVar aggregate classification (germline): Conflicting classifications of pathogenicity. Review status: criteria provided, conflicting classifications (1 of 4 stars). 2 submissions from 2 submitters: Uncertain significance (1); Likely benign (1). Last evaluated 2024-10-16.

Allele frequency attached by ClinVar (database versions not stated): gnomAD 0.00001; gnomAD exomes 0.00001.
gnomAD v4.1: 12 of 1,612,900 alleles (0.00074%); highest among the groups gnomAD compares: Middle Eastern, 0.033%; no homozygotes.

Submissions (2):

Ambry Genetics
Classification: Uncertain significance. Last evaluated: 2024-10-16. Review status: criteria provided, single submitter. Criteria: Ambry Variant Classification Scheme 2023. Collection method: clinical testing. Allele origin: germline.

CeGaT Center for Human Genetics Tuebingen
Classification: Likely benign. Last evaluated: 2023-08-01. Review status: criteria provided, single submitter. Criteria: CeGaT Center For Human Genetics Tuebingen Variant Classification Criteria Version 2. Collection method: clinical testing. Allele origin: germline. Affected: yes. Observed: 1 variant allele.
Comment: SYNE2: BP4, BS2